The following is an entry in ClinVar:

ClinVar aggregate classification (germline): Uncertain significance (1 of 4 stars; one submission).

Conditions:
Gorlin syndrome. Also called: Nevoid Basal Cell Carcinoma Syndrome; Basal cell nevus syndrome. Identifiers: Orphanet 377, MedGen C0004779, MONDO:0007187.

Submission:

Labcorp Genetics (formerly Invitae), Labcorp
Classification: Uncertain significance for Gorlin syndrome. Last evaluated: 2024-06-03. Review status: criteria provided, single submitter. Criteria: Invitae Variant Classification Sherloc (09022015). Collection method: clinical testing. Allele origin: germline.
Comment: This sequence change falls in intron 1 of the PTCH2 gene. It does not directly change the encoded amino acid sequence of the PTCH2 protein. It affects a nucleotide within the consensus splice site. This variant is present in population databases (no rsID available, gnomAD 0.02%). This variant has not been reported in the literature in individuals affected with PTCH2-related conditions. ClinVar contains an entry for this variant (Variation ID: 1430771). Variants that disrupt the consensus splice site are a relatively common cause of aberrant splicing (PMID: 17576681, 9536098). Algorithms developed to predict the effect of sequence changes on RNA splicing suggest that this variant may disrupt the consensus splice site. In summary, the available evidence is currently insufficient to determine the role of this variant in disease. Therefore, it has been classified as a Variant of Uncertain Significance.

Literature cited by the submitters: PubMed 17576681; PubMed 9536098.

NM_003738.5(PTCH2):c.72+5G>T

Gene: PTCH2 (patched 2; minus strand). Cytogenetic location: 1p34.1.
Variant type: single nucleotide variant.
Coding change: c.72+5G>T on transcript NM_003738.5 (MANE Select); 5 bases into the intron after coding-DNA position 72, G replaced by T.
Molecular consequence: intron variant.
Genome position (GRCh38, 1-based): chr1:44,842,856, C>A on the plus strand (G>T on the coding strand, the complement: PTCH2 is on the minus strand). VCF-style: chr1-44842856-C-A. GRCh37 (hg19) VCF-style: chr1-45308528-C-A.
Other names: c.72+5G>T (NM_001166292.2).
Identifiers: ClinVar variation 1430771 (VCV001430771.6), dbSNP rs1417599434, ClinGen allele CA522544140.